The following is an entry in ClinVar:

NM_001353345.2(SETD1B):c.2861G>A (p.Arg954His)

Gene: SETD1B (SET domain containing 1B, histone lysine methyltransferase; plus strand). Cytogenetic location: 12q24.31.
Variant type: single nucleotide variant.
Coding change: c.2861G>A on transcript NM_001353345.2 (MANE Select); coding-DNA position 2861, G replaced by A.
Protein change: p.Arg954His; replaces arginine 954 with histidine.
Molecular consequence: missense variant.
Genome position (GRCh38, 1-based): chr12:121,817,178, G>A. VCF-style: chr12-121817178-G-A. GRCh37 (hg19) VCF-style: chr12-122255084-G-A.
Other names: short protein forms R954H.
Identifiers: ClinVar variation 3066227 (VCV003066227.1), dbSNP rs367913171, ClinGen allele CA244643799.

ClinVar aggregate classification (germline): Uncertain significance (1 of 4 stars; one submission).

Conditions:
Intellectual developmental disorder with seizures and language delay (IDDSELD). Identifiers: MedGen C5436574, MONDO:0033559, OMIM 619000.

Submission:

MVZ Medizinische Genetik Mainz
Classification: Uncertain significance for Intellectual developmental disorder with seizures and language delay. Last evaluated: 2023-08-09. Review status: criteria provided, single submitter. Criteria: UK Practice Guidelines For Variant Classification V4 01 2020. Collection method: clinical testing. Allele origin: germline. Inheritance: Autosomal dominant inheritance. Affected: yes. Observed: 1 variant allele.
Comment: ACMG Criteria: PM2_SUP,PP2,PP3